The following is an entry in ClinVar:

NM_001103.4(ACTN2):c.1031A>G (p.Asn344Ser)

Gene: ACTN2 (actinin alpha 2; plus strand). Cytogenetic location: 1q43.
Variant type: single nucleotide variant.
Coding change: c.1031A>G on transcript NM_001103.4 (MANE Select); coding-DNA position 1031, A replaced by G.
Protein change: p.Asn344Ser; replaces asparagine 344 with serine.
Molecular consequence: missense variant.
Genome position (GRCh38, 1-based): chr1:236,739,456, A>G. VCF-style: chr1-236739456-A-G. GRCh37 (hg19) VCF-style: chr1-236902756-A-G.
Other names: c.1031A>G, p.Asn344Ser (NM_001278343.2); c.407A>G, p.Asn136Ser (NM_001278344.2); short protein forms N344S, N136S.
Identifiers: ClinVar variation 463186 (VCV000463186.14), dbSNP rs886046206, ClinGen allele CA345380658.
Genomic context (GRCh38, chr1:236,739,456, plus strand): 5'-GGGATTACCGCCGGAAGCACAAGCCACCCAAGGTGCAGGAGAAATGCCAGCTGGAGATCA[A>G]CTTCAACACGCTGCAGACCAAGCTGCGGATCAGCAACCGTCCTGCCTTCATGCCCTCCGA-3'
Protein context (NP_001094.1, residues 334-354): KVQEKCQLEI[Asn344Ser]FNTLQTKLRI

ClinVar aggregate classification (germline): Conflicting classifications of pathogenicity. Review status: criteria provided, conflicting classifications (1 of 4 stars). 3 submissions from 3 submitters: Uncertain significance (2); Likely benign (1). Last evaluated 2025-11-21.

Conditions:
Cardiovascular phenotype. Identifiers: MedGen CN230736.
Primary familial hypertrophic cardiomyopathy (HCM). Identifiers: Orphanet 99739, MedGen C0949658, MeSH D024741, MONDO:0024573. Inheritance: Various modes of inheritance.
Dilated cardiomyopathy 1AA (CMD1AA). Also called: CARDIOMYOPATHY, DILATED, 1AA, WITH OR WITHOUT LEFT VENTRICULAR NONCOMPACTION; CARDIOMYOPATHY, FAMILIAL HYPERTROPHIC, 23, WITH OR WITHOUT LEFT VENTRICULAR NONCOMPACTION; Cardiomyopathy, dilated, 1AA, with or without LVNC. Identifiers: Orphanet 154, MedGen C2677338, MONDO:0012808, OMIM 612158.

Allele frequency attached by ClinVar (database versions not stated): TOPMed below 0.00001; gnomAD 0.00001; gnomAD exomes below 0.00001.
gnomAD v4.1: 12 of 1,614,022 alleles (0.00074%); highest among the groups gnomAD compares: Non-Finnish European, 0.00076%; no homozygotes.

Submissions (3):

Labcorp Genetics (formerly Invitae), Labcorp
Classification: Likely benign for Primary familial hypertrophic cardiomyopathy; Dilated cardiomyopathy 1AA. Last evaluated: 2025-11-21. Review status: criteria provided, single submitter. Criteria: Invitae Variant Classification Sherloc (09022015). Collection method: clinical testing. Allele origin: germline.

Ambry Genetics
Classification: Uncertain significance for Cardiovascular phenotype. Last evaluated: 2024-09-11. Review status: criteria provided, single submitter. Criteria: Ambry Variant Classification Scheme 2023. Collection method: clinical testing. Allele origin: germline.
Comment: The p.N344S variant (also known as c.1031A>G), located in coding exon 10 of the ACTN2 gene, results from an A to G substitution at nucleotide position 1031. The asparagine at codon 344 is replaced by serine, an amino acid with highly similar properties. This amino acid position is well conserved in available vertebrate species. In addition, this alteration is predicted to be tolerated by in silico analysis. Since supporting evidence is limited at this time, the clinical significance of this alteration remains unclear.

Stanford Center for Inherited Cardiovascular Disease, Stanford University
Classification: Uncertain significance. Last evaluated: 2017-11-30. Review status: criteria provided, single submitter. Criteria: ACMG Guidelines, 2015. Collection method: provider interpretation. Allele origin: germline.